The following is an entry in ClinVar:

NM_153766.3(KCNJ1):c.-21-2138C>T

Gene: KCNJ1 (potassium inwardly rectifying channel subfamily J member 1; minus strand). Cytogenetic location: 11q24.3.
Variant type: single nucleotide variant.
Coding change: c.-21-2138C>T on transcript NM_153766.3 (MANE Select); 2138 bases into the intron before 21 bases upstream of the start codon, C replaced by T.
Molecular consequence: intron variant. On other transcripts: missense variant (1).
Genome position (GRCh38, 1-based): chr11:128,842,402, G>A on the plus strand (C>T on the coding strand, the complement: KCNJ1 is on the minus strand). VCF-style: chr11-128842402-G-A. GRCh37 (hg19) VCF-style: chr11-128712297-G-A.
Other names: p.Arg6Trp; c.16C>T, p.Arg6Trp (NM_000220.6); c.-21-2138C>T (NM_153764.3, NM_153767.4); c.31-2138C>T (NM_153765.3); c.16C>T (NM_000220.5); short protein forms R6W.
Identifiers: ClinVar variation 834322 (VCV000834322.16), dbSNP rs34191956, ClinGen allele CA6357620.

ClinVar aggregate classification (germline): Uncertain significance. Review status: criteria provided, multiple submitters, no conflicts (2 of 4 stars). 7 submissions from 7 submitters: Uncertain significance (7). Last evaluated 2026-01-08.

Conditions:
Bartter disease type 2. Also called: HYPERPROSTAGLANDIN E SYNDROME 2; Bartter syndrome, type 2, antenatal; HYPOKALEMIC ALKALOSIS WITH HYPERCALCIURIA 2, ANTENATAL. Identifiers: Orphanet 112, Orphanet 620220, MedGen C1855849, MONDO:0009424, OMIM 241200.

Allele frequency attached by ClinVar (database versions not stated): ExAC 0.00014; gnomAD exomes 0.00015; ESP Exome Variant Server 0.00038; gnomAD 0.00062 and 0.00071; TOPMed 0.00074.
gnomAD v4.1: 248 of 1,613,626 alleles (0.015%); highest among the groups gnomAD compares: African/African-American, 0.24%; 1 homozygote.

Submissions (7):

GeneDx
Classification: Uncertain significance. Last evaluated: 2026-01-08. Review status: criteria provided, single submitter. Criteria: GeneDx Variant Classification Process June 2021. Collection method: clinical testing. Allele origin: germline. Affected: yes.
Comment: In silico analysis suggests that this missense variant does not alter protein structure/function; Has not been previously published as pathogenic or benign to our knowledge

Mayo Clinic Laboratories, Mayo Clinic
Classification: Uncertain significance. Last evaluated: 2025-12-12. Review status: criteria provided, single submitter. Criteria: ACMG Guidelines, 2015. Collection method: clinical testing. Allele origin: germline. Observed: 1 variant allele.

Blueprint Genetics
Classification: Uncertain significance. Last evaluated: 2024-06-27. Review status: criteria provided, single submitter. Criteria: ACMG Guidelines, 2015. Collection method: clinical testing. Allele origin: germline.

Labcorp Genetics (formerly Invitae), Labcorp
Classification: Uncertain significance. Last evaluated: 2022-04-23. Review status: criteria provided, single submitter. Criteria: Invitae Variant Classification Sherloc (09022015). Collection method: clinical testing. Allele origin: germline.
Comment: This sequence change replaces arginine, which is basic and polar, with tryptophan, which is neutral and slightly polar, at codon 6 of the KCNJ1 protein (p.Arg6Trp). This variant is present in population databases (rs34191956, gnomAD 0.2%). This variant has not been reported in the literature in individuals affected with KCNJ1-related conditions. ClinVar contains an entry for this variant (Variation ID: 834322). Algorithms developed to predict the effect of missense changes on protein structure and function output the following: SIFT: "Tolerated"; PolyPhen-2: "Benign"; Align-GVGD: "Class C0". The tryptophan amino acid residue is found in multiple mammalian species, which suggests that this missense change does not adversely affect protein function. In summary, the available evidence is currently insufficient to determine the role of this variant in disease. Therefore, it has been classified as a Variant of Uncertain Significance.

Fulgent Genetics
Classification: Uncertain significance for Bartter disease type 2. Last evaluated: 2022-01-11. Review status: criteria provided, single submitter. Criteria: ACMG Guidelines, 2015. Collection method: clinical testing. Allele origin: unknown.

Illumina Laboratory Services, Illumina
Classification: Uncertain significance for Bartter disease type 2. Last evaluated: 2018-01-13. Review status: criteria provided, single submitter. Criteria: ICSL Variant Classification Criteria 13 December 2019. Collection method: clinical testing. Allele origin: germline.

Breakthrough Genomics
Classification: Uncertain significance. Review status: criteria provided, single submitter. Criteria: ACMG Guidelines, 2015. Collection method: not provided. Allele origin: germline. Inheritance: Autosomal recessive inheritance. Affected: yes.